The following is an entry in ClinVar:

NM_020831.6(MRTFA):c.440-14T>C

Gene: MRTFA (myocardin related transcription factor A; minus strand). Cytogenetic location: 22q13.1.
Variant type: single nucleotide variant.
Coding change: c.440-14T>C on transcript NM_020831.6 (MANE Select); 14 bases into the intron before coding-DNA position 440, T replaced by C.
Molecular consequence: intron variant.
Genome position (GRCh38, 1-based): chr22:40,429,781, A>G on the plus strand (T>C on the coding strand, the complement: MRTFA is on the minus strand). VCF-style: chr22-40429781-A-G. GRCh37 (hg19) VCF-style: chr22-40825785-A-G.
Other names: c.440-14T>C (NM_001282661.3, NM_001282662.3); c.245-14T>C (NM_001318139.2); c.140-14T>C (NM_001282660.2).
Identifiers: ClinVar variation 2851384 (VCV002851384.3), dbSNP rs771462355, ClinGen allele CA10249969.

ClinVar aggregate classification (germline): Uncertain significance (1 of 4 stars; one submission).

Allele frequency attached by ClinVar (database versions not stated): gnomAD exomes below 0.00001; ExAC 0.00001.
gnomAD v4.1: 2 of 1,600,754 alleles (0.00012%); highest among the groups gnomAD compares: East Asian, 0.0022%; no homozygotes.

Submission:

Labcorp Genetics (formerly Invitae), Labcorp
Classification: Uncertain significance. Last evaluated: 2023-05-23. Review status: criteria provided, single submitter. Criteria: Invitae Variant Classification Sherloc (09022015). Collection method: clinical testing. Allele origin: germline.
Comment: In summary, the available evidence is currently insufficient to determine the role of this variant in disease. Therefore, it has been classified as a Variant of Uncertain Significance. Algorithms developed to predict the effect of sequence changes on RNA splicing suggest that this variant may create or strengthen a splice site. This variant has not been reported in the literature in individuals affected with MKL1-related conditions. This variant is not present in population databases (gnomAD no frequency). This sequence change falls in intron 6 of the MKL1 gene. It does not directly change the encoded amino acid sequence of the MKL1 protein.